The following is an entry in ClinVar:

ClinVar aggregate classification (germline): Conflicting classifications of pathogenicity. Review status: criteria provided, conflicting classifications (1 of 4 stars). 3 submissions from 3 submitters: Uncertain significance (2); Likely benign (1). Last evaluated 2024-12-05.

Conditions:
Arrhythmogenic right ventricular dysplasia 13. Also called: ARRHYTHMOGENIC RIGHT VENTRICULAR CARDIOMYOPATHY 13; Arrhythmogenic right ventricular dysplasia, familial, 13. Identifiers: MedGen C3810138, MONDO:0000908, OMIM 615616.

Allele frequency attached by ClinVar (database versions not stated): gnomAD exomes 0.00003; gnomAD 0.00006; ExAC 0.00007; TOPMed 0.00008; ESP Exome Variant Server 0.00015.
gnomAD v4.1: 48 of 1,613,962 alleles (0.003%); highest among the groups gnomAD compares: African/African-American, 0.004%; no homozygotes.

Submissions (3):

Labcorp Genetics (formerly Invitae), Labcorp
Classification: Uncertain significance for Arrhythmogenic right ventricular dysplasia 13. Last evaluated: 2024-12-05. Review status: criteria provided, single submitter. Criteria: Invitae Variant Classification Sherloc (09022015). Collection method: clinical testing. Allele origin: germline.
Comment: This sequence change replaces proline, which is neutral and non-polar, with serine, which is neutral and polar, at codon 266 of the CTNNA3 protein (p.Pro266Ser). This variant is present in population databases (rs199985402, gnomAD 0.008%). This variant has not been reported in the literature in individuals affected with CTNNA3-related conditions. ClinVar contains an entry for this variant (Variation ID: 948904). Invitae Evidence Modeling of protein sequence and biophysical properties (such as structural, functional, and spatial information, amino acid conservation, physicochemical variation, residue mobility, and thermodynamic stability) indicates that this missense variant is not expected to disrupt CTNNA3 protein function with a negative predictive value of 80%. In summary, the available evidence is currently insufficient to determine the role of this variant in disease. Therefore, it has been classified as a Variant of Uncertain Significance.

Blueprint Genetics
Classification: Likely benign. Last evaluated: 2024-07-24. Review status: criteria provided, single submitter. Criteria: ACMG Guidelines, 2015. Collection method: clinical testing. Allele origin: germline.

Fulgent Genetics
Classification: Uncertain significance for Arrhythmogenic right ventricular dysplasia 13. Last evaluated: 2021-07-01. Review status: criteria provided, single submitter. Criteria: ACMG Guidelines, 2015. Collection method: clinical testing. Allele origin: unknown.

NM_013266.4(CTNNA3):c.796C>T (p.Pro266Ser)

Gene: CTNNA3 (catenin alpha 3; minus strand). Cytogenetic location: 10q21.3.
Variant type: single nucleotide variant.
Coding change: c.796C>T on transcript NM_013266.4 (MANE Select); coding-DNA position 796, C replaced by T.
Protein change: p.Pro266Ser; replaces proline 266 with serine.
Molecular consequence: missense variant.
Genome position (GRCh38, 1-based): chr10:67,219,654, G>A on the plus strand (C>T on the coding strand, the complement: CTNNA3 is on the minus strand). VCF-style: chr10-67219654-G-A. GRCh37 (hg19) VCF-style: chr10-68979412-G-A.
Other names: c.796C>T, p.Pro266Ser (NM_001127384.3); c.832C>T, p.Pro278Ser (NM_001291133.2); short protein forms P266S, P278S.
Identifiers: ClinVar variation 948904 (VCV000948904.16), dbSNP rs199985402, ClinGen allele CA5520498.